The following is an entry in ClinVar:

NM_001110556.2(FLNA):c.3286G>T (p.Gly1096Cys)

Gene: FLNA (filamin A; minus strand). Cytogenetic location: Xq28.
Variant type: single nucleotide variant.
Coding change: c.3286G>T on transcript NM_001110556.2 (MANE Select); coding-DNA position 3286, G replaced by T.
Protein change: p.Gly1096Cys; replaces glycine 1096 with cysteine.
Molecular consequence: missense variant.
Genome position (GRCh38, 1-based): chrX:154,360,509, C>A on the plus strand (G>T on the coding strand, the complement: FLNA is on the minus strand). VCF-style: chrX-154360509-C-A. GRCh37 (hg19) VCF-style: chrX-153588877-C-A.
Other names: c.3286G>T, p.Gly1096Cys (NM_001456.4); c.3286G>T (NM_001456.3); short protein forms G1096C.
Identifiers: ClinVar variation 3752874 (VCV003752874.3).

ClinVar aggregate classification (germline): Uncertain significance. Review status: criteria provided, multiple submitters, no conflicts (2 of 4 stars). 2 submissions from 2 submitters: Uncertain significance (2). Last evaluated 2026-05-13.

Conditions:
Heterotopia, periventricular, X-linked dominant (PVNH1). Also called: PERIVENTRICULAR NODULAR HETEROTOPIA 1; X-linked periventricular heterotopia; PERIVENTRICULAR NODULAR HETEROTOPIA 4; HETEROTOPIA, PERIVENTRICULAR, 1. Identifiers: Orphanet 2149, Orphanet 82004, MedGen C1848213, MONDO:0010233, OMIM 300049.
Melnick-Needles syndrome (MNS). Also called: MELNICK-NEEDLES OSTEODYSPLASTY; OSTEODYSPLASTY OF MELNICK AND NEEDLES; Melnick-Needles Syndrome (FLNA-MNS). Identifiers: Orphanet 2484, MedGen C0025237, MONDO:0010650, OMIM 309350.
Frontometaphyseal dysplasia (FMD1). Identifiers: Orphanet 1826, MedGen C0265293, MONDO:0015942.
Oto-palato-digital syndrome, type II (OPD2). Also called: FACIOPALATOOSSEOUS SYNDROME; OPD II SYNDROME; Otopalatodigital Syndrome, Type II; Otopalatodigital Syndrome Type 2 (FLNA-OPD2). Identifiers: Orphanet 669, Orphanet 90652, MedGen C1844696, MONDO:0010571, OMIM 304120.
Familial thoracic aortic aneurysm and aortic dissection (TAAD). Also called: Thoracic aortic aneurysms and dissections. Identifiers: Orphanet 91387, MedGen C4707243, MONDO:0019625.

Submissions (2):

Ambry Genetics
Classification: Uncertain significance for Familial thoracic aortic aneurysm and aortic dissection. Last evaluated: 2026-05-13. Review status: criteria provided, single submitter. Criteria: Ambry Variant Classification Scheme 2023. Collection method: clinical testing. Allele origin: germline.

Labcorp Genetics (formerly Invitae), Labcorp
Classification: Uncertain significance for Oto-palato-digital syndrome, type II; Heterotopia, periventricular, X-linked dominant; Frontometaphyseal dysplasia; Melnick-Needles syndrome. Last evaluated: 2024-08-03. Review status: criteria provided, single submitter. Criteria: Invitae Variant Classification Sherloc (09022015). Collection method: clinical testing. Allele origin: germline.
Comment: This sequence change replaces glycine, which is neutral and non-polar, with cysteine, which is neutral and slightly polar, at codon 1096 of the FLNA protein (p.Gly1096Cys). This variant is not present in population databases (gnomAD no frequency). This variant has not been reported in the literature in individuals affected with FLNA-related conditions. Advanced modeling of protein sequence and biophysical properties (such as structural, functional, and spatial information, amino acid conservation, physicochemical variation, residue mobility, and thermodynamic stability) has been performed at Invitae for this missense variant, however the output from this modeling did not meet the statistical confidence thresholds required to predict the impact of this variant on FLNA protein function. In summary, the available evidence is currently insufficient to determine the role of this variant in disease. Therefore, it has been classified as a Variant of Uncertain Significance.